The following is an entry in ClinVar:

NM_004415.4(DSP):c.4252C>G (p.Gln1418Glu)

Gene: DSP (desmoplakin; plus strand). Cytogenetic location: 6p24.3.
Variant type: single nucleotide variant.
Coding change: c.4252C>G on transcript NM_004415.4 (MANE Select); coding-DNA position 4252, C replaced by G.
Protein change: p.Gln1418Glu; replaces glutamine 1418 with glutamic acid.
Molecular consequence: missense variant. On other transcripts: intron variant (2).
Genome position (GRCh38, 1-based): chr6:7,580,442, C>G. VCF-style: chr6-7580442-C-G. GRCh37 (hg19) VCF-style: chr6-7580675-C-G.
Other names: c.4050+202C>G (NM_001319034.2); c.3582+670C>G (NM_001008844.3); short protein forms Q1418E.
Identifiers: ClinVar variation 2775304 (VCV002775304.3), dbSNP rs763652056, ClinGen allele CA040930.

ClinVar aggregate classification (germline): Uncertain significance. Review status: criteria provided, multiple submitters, no conflicts (2 of 4 stars). 2 submissions from 2 submitters: Uncertain significance (2). Last evaluated 2023-08-23.

Conditions:
Cardiomyopathy (CMYO). Also called: Cardiomyopathies. Identifiers: Orphanet 167848, MedGen C0878544, MONDO:0004994, HP:0001638. Inheritance: Various modes of inheritance.
Arrhythmogenic cardiomyopathy with wooly hair and keratoderma. Also called: PALMOPLANTAR KERATODERMA WITH LEFT VENTRICULAR CARDIOMYOPATHY AND WOOLLY HAIR; Dilated cardiomyopathy with woolly hair and keratoderma; Arrhythmogenic cardiomyopathy with woolly hair and keratoderma; Carvajal syndrome. Identifiers: Orphanet 65282, MedGen C1854063, MONDO:0011581, OMIM 605676.

Allele frequency attached by ClinVar (database versions not stated): ExAC 0.00001.

Submissions (2):

All of Us Research Program, National Institutes of Health
Classification: Uncertain significance for Arrhythmogenic cardiomyopathy with wooly hair and keratoderma. Last evaluated: 2023-08-23. Review status: criteria provided, single submitter. Criteria: ACMG Guidelines, 2015. Collection method: clinical testing. Allele origin: germline. Inheritance: Autosomal dominant inheritance. Observed: 1 variant allele, 1 heterozygote.
Comment: This missense variant replaces glutamine with glutamic acid at codon 1418 of the DSP protein. Computational prediction suggests that this variant may not impact protein structure and function (internally defined REVEL score threshold <= 0.5, PMID: 27666373). To our knowledge, functional studies have not been reported for this variant. This variant has not been reported in individuals affected with DSP-related disorders in the literature. This variant has not been identified in the general population by the Genome Aggregation Database (gnomAD). The available evidence is insufficient to determine the role of this variant in disease conclusively. Therefore, this variant is classified as a Variant of Uncertain Significance.

This study involves interpretation of variants in research participants for the purpose of population health screening. Participant phenotype was not available at the time of variant classification. Additional details can be found in publication PMID: 35346344, PMCID: PMC8962531

Color Diagnostics, LLC DBA Color Health
Classification: Uncertain significance for Cardiomyopathy. Last evaluated: 2022-11-06. Review status: criteria provided, single submitter. Criteria: ACMG Guidelines, 2015. Collection method: clinical testing. Allele origin: germline.
Comment: This missense variant replaces glutamine with glutamic acid at codon 1418 of the DSP protein. Computational prediction suggests that this variant may not impact protein structure and function (internally defined REVEL score threshold <= 0.5, PMID: 27666373). To our knowledge, functional studies have not been reported for this variant. This variant has not been reported in individuals affected with DSP-related disorders in the literature. This variant has not been identified in the general population by the Genome Aggregation Database (gnomAD). The available evidence is insufficient to determine the role of this variant in disease conclusively. Therefore, this variant is classified as a Variant of Uncertain Significance.